The following is an entry in ClinVar:

NM_001384732.1(CPLANE1):c.5449C>G (p.Gln1817Glu)

Gene: CPLANE1 (ciliogenesis and planar polarity effector complex subunit 1; minus strand). Cytogenetic location: 5p13.2.
Variant type: single nucleotide variant.
Coding change: c.5449C>G on transcript NM_001384732.1 (MANE Select); coding-DNA position 5449, C replaced by G.
Protein change: p.Gln1817Glu; replaces glutamine 1817 with glutamic acid.
Molecular consequence: missense variant.
Genome position (GRCh38, 1-based): chr5:37,180,978, G>C on the plus strand (C>G on the coding strand, the complement: CPLANE1 is on the minus strand). VCF-style: chr5-37180978-G-C. GRCh37 (hg19) VCF-style: chr5-37181080-G-C.
Other names: c.5449C>G, p.Gln1817Glu (NM_023073.4); short protein forms Q1817E.
Identifiers: ClinVar variation 2060134 (VCV002060134.3), dbSNP rs772099372, ClinGen allele CA3238534.
Genomic context (GRCh38, chr5:37,180,978, plus strand): 5'-CTACTGCAACTGAACCGCCAGCATCTGATTTGCTCTCCCTCTCAATATTGGGTCCAATCT[G>C]ACACCCAGTGTCACGATTCTCTACCATCTAAAGCAAACCATTTAAAGTATTTAGTATTTA-3'
Protein context (NP_001371661.1, residues 1807-1827): KMVENRDTGC[Gln1817Glu]IGPNIERESK

ClinVar aggregate classification (germline): Uncertain significance (1 of 4 stars; one submission).

Allele frequency attached by ClinVar (database versions not stated): TOPMed below 0.00001; ExAC 0.00001; gnomAD exomes 0.00001.
gnomAD v4.1: 3 of 1,613,818 alleles (0.00019%); highest among the groups gnomAD compares: Non-Finnish European, 0.00025%; no homozygotes.

Submissions (2):

Labcorp Genetics (formerly Invitae), Labcorp
Classification: Uncertain significance. Last evaluated: 2022-01-28. Review status: criteria provided, single submitter. Criteria: Invitae Variant Classification Sherloc (09022015). Collection method: clinical testing. Allele origin: germline.
Comment: In summary, the available evidence is currently insufficient to determine the role of this variant in disease. Therefore, it has been classified as a Variant of Uncertain Significance. Advanced modeling of protein sequence and biophysical properties (such as structural, functional, and spatial information, amino acid conservation, physicochemical variation, residue mobility, and thermodynamic stability) performed at Invitae indicates that this missense variant is not expected to disrupt CPLANE1 protein function. This variant has not been reported in the literature in individuals affected with CPLANE1-related conditions. This variant is present in population databases (rs772099372, gnomAD 0.0009%). This sequence change replaces glutamine, which is neutral and polar, with glutamic acid, which is acidic and polar, at codon 1817 of the CPLANE1 protein (p.Gln1817Glu).

Dr. Peter K. Rogan Lab, Western University
No classification provided (evidence only). Condition: Ovarian serous cystadenocarcinoma. Review status: no classification provided. Collection method: in vitro. Allele origin: not applicable. Functional consequence: retained intron. Not counted in ClinVar's aggregate classification.